The following is an entry in ClinVar:

NM_000303.3(PMM2):c.188A>T (p.Lys63Ile)

Gene: PMM2 (phosphomannomutase 2; plus strand). Cytogenetic location: 16p13.2.
Variant type: single nucleotide variant.
Coding change: c.188A>T on transcript NM_000303.3 (MANE Select); coding-DNA position 188, A replaced by T.
Protein change: p.Lys63Ile; replaces lysine 63 with isoleucine.
Molecular consequence: missense variant.
Genome position (GRCh38, 1-based): chr16:8,804,776, A>T. VCF-style: chr16-8804776-A-T. GRCh37 (hg19) VCF-style: chr16-8898633-A-T.
Other names: short protein forms K63I.
Identifiers: ClinVar variation 2004875 (VCV002004875.4), dbSNP rs2549144447, ClinGen allele CA394695795.

ClinVar aggregate classification (germline): Uncertain significance (1 of 4 stars; one submission).

Conditions:
PMM2-congenital disorder of glycosylation. Also called: Congenital disorder of glycosylation, type Ia; CDG Ia; PMM2-CDG; JAEKEN SYNDROME; PHOSPHOMANNOMUTASE 2 DEFICIENCY; CARBOHYDRATE-DEFICIENT GLYCOPROTEIN SYNDROME, TYPE Ia. Identifiers: Orphanet 79318, MedGen C0349653, MONDO:0008907, OMIM 212065.

Submission:

Labcorp Genetics (formerly Invitae), Labcorp
Classification: Uncertain significance for PMM2-congenital disorder of glycosylation. Last evaluated: 2022-07-06. Review status: criteria provided, single submitter. Criteria: Invitae Variant Classification Sherloc (09022015). Collection method: clinical testing. Allele origin: germline.
Comment: In summary, the available evidence is currently insufficient to determine the role of this variant in disease. Therefore, it has been classified as a Variant of Uncertain Significance. Algorithms developed to predict the effect of missense changes on protein structure and function are either unavailable or do not agree on the potential impact of this missense change (SIFT: "Deleterious"; PolyPhen-2: "Probably Damaging"; Align-GVGD: "Class C0"). This variant has not been reported in the literature in individuals affected with PMM2-related conditions. This variant is not present in population databases (gnomAD no frequency). This sequence change replaces lysine, which is basic and polar, with isoleucine, which is neutral and non-polar, at codon 63 of the PMM2 protein (p.Lys63Ile).